The following is an entry in ClinVar:

NM_032608.7(MYO18B):c.4087C>T (p.Arg1363Ter)

Gene: MYO18B (myosin XVIIIB; plus strand). Cytogenetic location: 22q12.1.
Variant type: single nucleotide variant.
Coding change: c.4087C>T on transcript NM_032608.7 (MANE Select); coding-DNA position 4087, C replaced by T.
Protein change: p.Arg1363Ter; replaces arginine 1363 with a stop codon.
Molecular consequence: nonsense.
Genome position (GRCh38, 1-based): chr22:25,876,195, C>T. VCF-style: chr22-25876195-C-T. GRCh37 (hg19) VCF-style: chr22-26272162-C-T.
Other names: c.4090C>T, p.Arg1364Ter (NM_001318245.2); c.4087C>T (NM_032608.6); short protein forms R1363*, R1364*.
Identifiers: ClinVar variation 2163273 (VCV002163273.7), dbSNP rs770857621, ClinGen allele CA10160765.

ClinVar aggregate classification (germline): Pathogenic/Likely pathogenic. Review status: criteria provided, multiple submitters, no conflicts (2 of 4 stars). 3 submissions from 3 submitters: Pathogenic (2); Likely pathogenic (1). Last evaluated 2023-09-27.

Conditions:
Klippel-Feil anomaly-myopathy-facial dysmorphism syndrome. Also called: Klippel-feil syndrome 4, autosomal recessive, with nemaline myopathy and facial dysmorphism; Klippel-Feil syndrome 4, autosomal recessive, with myopathy and facial dysmorphism. Identifiers: Orphanet 447974, MedGen C4225285, MONDO:0014689, OMIM 616549.

Allele frequency attached by ClinVar (database versions not stated): ExAC 0.00001; gnomAD 0.00001; TOPMed 0.00001.
gnomAD v4.1: 13 of 1,611,150 alleles (0.00081%); highest among the groups gnomAD compares: East Asian, 0.0022%; no homozygotes.

Submissions (3):

Women's Health and Genetics/Laboratory Corporation of America, LabCorp
Classification: Pathogenic for Klippel-Feil anomaly-myopathy-facial dysmorphism syndrome. Last evaluated: 2023-09-27. Review status: criteria provided, single submitter. Criteria: LabCorp Variant Classification Summary - May 2015. Collection method: clinical testing. Allele origin: germline.
Comment: Variant summary: MYO18B c.4087C>T (p.Arg1363X) results in a premature termination codon, predicted to cause a truncation of the encoded protein or absence of the protein due to nonsense mediated decay, which are commonly known mechanisms for disease. The variant allele was found at a frequency of 8.1e-06 in 245410 control chromosomes (gnomAD). To our knowledge, no occurrence of c.4087C>T in individuals affected with Klippel-Feil Anomaly-Myopathy Dysmorphism Syndrome and no experimental evidence demonstrating its impact on protein function have been reported. One ClinVar submitter has assessed the variant since 2014, and classified the variant as pathogenic. Based on the evidence outlined above, the variant was classified as pathogenic.

Labcorp Genetics (formerly Invitae), Labcorp
Classification: Pathogenic. Last evaluated: 2022-06-27. Review status: criteria provided, single submitter. Criteria: Invitae Variant Classification Sherloc (09022015). Collection method: clinical testing. Allele origin: germline.
Comment: For these reasons, this variant has been classified as Pathogenic. This variant has not been reported in the literature in individuals affected with MYO18B-related conditions. This variant is present in population databases (rs770857621, gnomAD 0.005%). This sequence change creates a premature translational stop signal (p.Arg1363*) in the MYO18B gene. It is expected to result in an absent or disrupted protein product. Loss-of-function variants in MYO18B are known to be pathogenic (PMID: 25748484, 32184166, 32637634).

Juno Genomics, Hangzhou Juno Genomics, Inc
Classification: Likely pathogenic for Klippel-Feil anomaly-myopathy-facial dysmorphism syndrome. Review status: criteria provided, single submitter. Criteria: ACMG Guidelines, 2015. Collection method: clinical testing. Allele origin: germline.
Comment: Absent from controls (or at extremely low frequency if recessive) in Genome Aggregation Database.;Null variant in a gene where loss of function (LOF) is a known mechanism of disease.;Patient's phenotype or family history is highly specific for a disease with a single genetic etiology.

Literature cited by the submitters: PubMed 25748484 (cited by Labcorp Genetics (formerly Invitae), Labcorp); PubMed 32184166 (cited by Labcorp Genetics (formerly Invitae), Labcorp); PubMed 32637634 (cited by Labcorp Genetics (formerly Invitae), Labcorp).